The following is an entry in ClinVar:

NM_020376.4(PNPLA2):c.1447G>A (p.Gly483Arg)

Gene: PNPLA2 (patatin like domain 2, triacylglycerol lipase; plus strand). Cytogenetic location: 11p15.5.
Variant type: single nucleotide variant.
Coding change: c.1447G>A on transcript NM_020376.4 (MANE Select); coding-DNA position 1447, G replaced by A.
Protein change: p.Gly483Arg; replaces glycine 483 with arginine.
Molecular consequence: missense variant.
Genome position (GRCh38, 1-based): chr11:824,794, G>A. VCF-style: chr11-824794-G-A. GRCh37 (hg19) VCF-style: chr11-824794-G-A.
Other names: short protein forms G483R.
Identifiers: ClinVar variation 933667 (VCV000933667.7), dbSNP rs557790601, ClinGen allele CA216972429.
Genomic context (GRCh38, chr11:824,794, plus strand): 5'-GCACCCGCCGACCCGGCTCCCGCCCCCGCGGACCCAGCATCCCCGCAGCACCAGCTGGCC[G>A]GGCCTGCCCCCTTGCTGAGCACCCCTGCTCCCGAGGCCCGGCCCGTGATCGGGGCCCTGG-3'
Protein context (NP_065109.1, residues 473-493): DPASPQHQLA[Gly483Arg]PAPLLSTPAP

ClinVar aggregate classification (germline): Uncertain significance (1 of 4 stars; one submission).

Conditions:
Neutral lipid storage myopathy (NLSDM). Also called: NEUTRAL LIPID STORAGE DISEASE WITHOUT ICHTHYOSIS. Identifiers: Orphanet 98908, MedGen C1853136, MONDO:0012545, OMIM 610717.

Allele frequency attached by ClinVar (database versions not stated): TOPMed 0.00001.
gnomAD v4.1: 23 of 1,532,656 alleles (0.0015%); highest among the groups gnomAD compares: East Asian, 0.0024%; no homozygotes.

Submission:

Labcorp Genetics (formerly Invitae), Labcorp
Classification: Uncertain significance for Neutral lipid storage myopathy. Last evaluated: 2022-06-13. Review status: criteria provided, single submitter. Criteria: Invitae Variant Classification Sherloc (09022015). Collection method: clinical testing. Allele origin: germline.
Comment: This sequence change replaces glycine, which is neutral and non-polar, with arginine, which is basic and polar, at codon 483 of the PNPLA2 protein (p.Gly483Arg). This variant is present in population databases (no rsID available, gnomAD 0.07%). This variant has not been reported in the literature in individuals affected with PNPLA2-related conditions. ClinVar contains an entry for this variant (Variation ID: 933667). Algorithms developed to predict the effect of missense changes on protein structure and function output the following: SIFT: "Tolerated"; PolyPhen-2: "Benign"; Align-GVGD: "Class C0". The arginine amino acid residue is found in multiple mammalian species, which suggests that this missense change does not adversely affect protein function. In summary, the available evidence is currently insufficient to determine the role of this variant in disease. Therefore, it has been classified as a Variant of Uncertain Significance.